The following is an entry in ClinVar:

ClinVar aggregate classification (germline): Uncertain significance. Review status: criteria provided, multiple submitters, no conflicts (2 of 4 stars). 2 submissions from 2 submitters: Uncertain significance (2). Last evaluated 2025-10-27.

Conditions:
Inborn genetic diseases. Identifiers: MedGen C0950123, MeSH D030342.
Aortic valve disease 2 (AOVD2). Identifiers: MedGen C3542024, MONDO:0013902, OMIM 614823.

Allele frequency attached by ClinVar (database versions not stated): gnomAD 0.00001; gnomAD exomes 0.00001; ExAC 0.00001; TOPMed 0.00003.

Submissions (2):

Labcorp Genetics (formerly Invitae), Labcorp
Classification: Uncertain significance for Aortic valve disease 2. Last evaluated: 2025-10-27. Review status: criteria provided, single submitter. Criteria: Invitae Variant Classification Sherloc (09022015). Collection method: clinical testing. Allele origin: germline.
Comment: This sequence change replaces asparagine, which is neutral and polar, with serine, which is neutral and polar, at codon 404 of the SMAD6 protein (p.Asn404Ser). This variant is present in population databases (rs751853603, gnomAD 0.003%). This variant has not been reported in the literature in individuals affected with SMAD6-related conditions. ClinVar contains an entry for this variant (Variation ID: 1750443). Invitae Evidence Modeling of protein sequence and biophysical properties (such as structural, functional, and spatial information, amino acid conservation, physicochemical variation, residue mobility, and thermodynamic stability) indicates that this missense variant is not expected to disrupt SMAD6 protein function with a negative predictive value of 80%. In summary, the available evidence is currently insufficient to determine the role of this variant in disease. Therefore, it has been classified as a Variant of Uncertain Significance.

Ambry Genetics
Classification: Uncertain significance for Inborn genetic diseases. Last evaluated: 2024-10-07. Review status: criteria provided, single submitter. Criteria: Ambry Variant Classification Scheme 2023. Collection method: clinical testing. Allele origin: germline.
Comment: The p.N404S variant (also known as c.1211A>G), located in coding exon 4 of the SMAD6 gene, results from an A to G substitution at nucleotide position 1211. The asparagine at codon 404 is replaced by serine, an amino acid with highly similar properties. This amino acid position is conserved. In addition, this alteration is predicted to be deleterious by in silico analysis. Since supporting evidence is limited at this time, the clinical significance of this alteration remains unclear.

NM_005585.5(SMAD6):c.1211A>G (p.Asn404Ser)

Gene: SMAD6 (SMAD family member 6; plus strand). Cytogenetic location: 15q22.31.
Variant type: single nucleotide variant.
Coding change: c.1211A>G on transcript NM_005585.5 (MANE Select); coding-DNA position 1211, A replaced by G.
Protein change: p.Asn404Ser; replaces asparagine 404 with serine.
Molecular consequence: missense variant. On other transcripts: non-coding transcript variant (1).
Genome position (GRCh38, 1-based): chr15:66,781,255, A>G. VCF-style: chr15-66781255-A-G. GRCh37 (hg19) VCF-style: chr15-67073593-A-G.
Other names: short protein forms N404S.
Identifiers: ClinVar variation 1750443 (VCV001750443.8), dbSNP rs751853603, ClinGen allele CA7626752.